The following is an entry in ClinVar:

ClinVar aggregate classification (germline): Pathogenic/Likely pathogenic. Review status: criteria provided, multiple submitters, no conflicts (2 of 4 stars). 6 submissions from 6 submitters: Pathogenic (5); Likely pathogenic (1). Last evaluated 2026-08-24.

Conditions:
Hereditary nonpolyposis colorectal neoplasms. Identifiers: MedGen C0009405, MeSH D003123.
Hereditary cancer-predisposing syndrome. Also called: Hereditary neoplastic syndrome; Tumor predisposition; Neoplastic Syndromes, Hereditary; Hereditary Cancer Syndrome. Identifiers: Orphanet 140162, MedGen C0027672, MeSH D009386, MONDO:0015356.
Endometrial carcinoma. Also called: Endometrial carcinoma, somatic. Identifiers: MedGen C0476089, MONDO:0002447, OMIM 608089, HP:0012114.
Lynch syndrome 5 (LYNCH5). Also called: Colorectal cancer, hereditary nonpolyposis, type 5; Hereditary non-polyposis colorectal cancer, type 5. Identifiers: Orphanet 144, MedGen C1833477, MONDO:0013710, OMIM 614350. Disease mechanism: loss of function.

Submissions (6):

Mendelics
Classification: Pathogenic for Lynch syndrome 5. Last evaluated: 2026-08-24. Review status: criteria provided, single submitter. Criteria: ACMG Guidelines, 2015. Collection method: clinical testing. Allele origin: unknown.

Labcorp Genetics (formerly Invitae), Labcorp
Classification: Pathogenic for Hereditary nonpolyposis colorectal neoplasms. Last evaluated: 2025-04-13. Review status: criteria provided, single submitter. Criteria: Invitae Variant Classification Sherloc (09022015). Collection method: clinical testing. Allele origin: germline.
Comment: This sequence change creates a premature translational stop signal (p.Tyr1066*) in the MSH6 gene. It is expected to result in an absent or disrupted protein product. Loss-of-function variants in MSH6 are known to be pathogenic (PMID: 18269114, 24362816). This variant is not present in population databases (gnomAD no frequency). This variant has not been reported in the literature in individuals affected with MSH6-related conditions. ClinVar contains an entry for this variant (Variation ID: 141603). For these reasons, this variant has been classified as Pathogenic.

Ambry Genetics
Classification: Pathogenic for Hereditary cancer-predisposing syndrome. Last evaluated: 2024-11-26. Review status: criteria provided, single submitter. Criteria: Ambry Variant Classification Scheme 2023. Collection method: clinical testing. Allele origin: germline.
Comment: The c.3198_3199delTA pathogenic mutation, located in coding exon 5 of the MSH6 gene, results from a deletion of two nucleotides at nucleotide positions 3198 to 3199, causing a translational frameshift with a predicted alternate stop codon (p.Y1066*). This alteration has been identified in an individual undergoing multi-gene panel testing for a personal and/or family history of cancer (Espenschied CR et al. J Clin Oncol, 2017 Aug;35:2568-2575). This variant is considered to be rare based on population cohorts in the Genome Aggregation Database (gnomAD). In addition to the clinical data presented in the literature, this alteration is expected to result in loss of function by premature protein truncation or nonsense-mediated mRNA decay. As such, this alteration is interpreted as a disease-causing mutation.

Myriad Genetics, Inc.
Classification: Pathogenic for Lynch syndrome 5. Last evaluated: 2023-08-22. Review status: criteria provided, single submitter. Criteria: Myriad Autosomal Dominant, Autosomal Recessive and X-Linked Classification Criteria (2023). Collection method: clinical testing. Allele origin: unknown.
Comment: This variant is considered pathogenic. This variant creates a termination codon and is predicted to result in premature protein truncation.

Baylor Genetics
Classification: Likely pathogenic for Endometrial carcinoma. Last evaluated: 2021-12-18. Review status: criteria provided, single submitter. Criteria: ACMG Guidelines, 2015. Collection method: clinical testing. Allele origin: unknown.

GeneDx
Classification: Pathogenic. Last evaluated: 2020-12-28. Review status: criteria provided, single submitter. Criteria: GeneDx Variant Classification Process June 2021. Collection method: clinical testing. Allele origin: germline. Affected: yes.
Comment: Nonsense variant predicted to result in protein truncation or nonsense mediated decay in a gene for which loss-of-function is a known mechanism of disease; Not observed in large population cohorts (Lek 2016); Truncated variants in this gene are considered pathogenic by a well-established clinical consortium and/or database; Observed in individuals referred for multi-gene panel testing (LaDuca 2017); This variant is associated with the following publications: (PMID: 28152038)

Literature cited by the submitters: PubMed 28514183 (cited by Mendelics and Ambry Genetics); Variant NM_000179.3(MSH6):c.3198_3199del has no entries in GnomAD v4.1.1. Previously described in PMID:28514183 and already a pathogenic variant in ClinVar. (cited by Mendelics); PubMed 18269114 (cited by Labcorp Genetics (formerly Invitae), Labcorp); PubMed 24362816 (cited by Labcorp Genetics (formerly Invitae), Labcorp).

NM_000179.3(MSH6):c.3198_3199del (p.Tyr1066_Ser1067delinsTer)

Gene: MSH6 (mutS homolog 6; plus strand). Cytogenetic location: 2p16.3.
Variant type: Microsatellite.
Coding change: c.3198_3199del on transcript NM_000179.3 (MANE Select); coding-DNA positions 3198 to 3199, 2 bases deleted (TA; older notation c.3198_3199delTA).
Protein change: p.Tyr1066_Ser1067delinsTer.
Molecular consequence: nonsense.
Genome position (GRCh38, 1-based): chr2:47,803,445-47,803,446, TA deleted; deleting any 2 consecutive bases within chr2:47,803,443-47,803,446 gives the same sequence; the c. name uses the placement nearest the transcript's 3' end. VCF-style (leftmost placement, unchanged base first): chr2-47803442-CTA-C. GRCh37 (hg19) VCF-style: chr2-48030581-CTA-C.
Other names: c.3198_3199delTA (NM_000179.3, NM_000179.2); c.2808_2809del, p.Tyr936_Ser937delinsTer (NM_001281492.2); c.2292_2293del, p.Tyr764_Ser765delinsTer (NM_001281493.2, NM_001281494.2).
Identifiers: ClinVar variation 141603 (VCV000141603.20), dbSNP rs63749821, ClinGen allele CA011861.